The following is an entry in ClinVar:

ClinVar aggregate classification (germline): Likely benign (0 of 4 stars; one submission).

Allele frequency attached by ClinVar (database versions not stated): gnomAD 0.00007; 1000 Genomes Project 0.00040; 1000 Genomes Project 30x 0.00062.
gnomAD v4.1: 252 of 1,614,156 alleles (0.016%); highest among the groups gnomAD compares: South Asian, 0.26%; 4 homozygotes.

Submission:

Department of Pathology and Laboratory Medicine, Sinai Health System
Classification: Likely benign. Review status: no assertion criteria provided. Collection method: clinical testing. Allele origin: unknown. Affected: yes. Study: The Canadian Open Genetics Repository (COGR).
Comment: The ATIC p.Ile228Phe variant was not identified in the literature nor was it identified in ClinVar or LOVD 3.0. The variant was identified in dbSNP (ID: rs538280049) and in control databases in 95 of 251296 chromosomes (1 homozygous) at a frequency of 0.000378 (Genome Aggregation Database March 6, 2019, v2.1.1). The variant was observed in the following populations: South Asian in 94 of 30616 chromosomes (freq: 0.00307) and Other in 1 of 6136 chromosomes (freq: 0.000163), but was not observed in the African, Latino, Ashkenazi Jewish, East Asian, European (Finnish), and European (non-Finnish) populations. The p.Ile228 residue is conserved in mammals but not in more distantly related organisms however four out of five computational analyses (PolyPhen-2, SIFT, AlignGVGD, BLOSUM, MutationTaster) do not suggest a high likelihood of impact to the protein; this information is not predictive enough to rule out pathogenicity. The variant occurs outside of the splicing consensus sequence and 2 of 4 in silico or computational prediction software programs (SpliceSiteFinder, MaxEntScan, NNSPLICE, GeneSplicer) predict a greater than 10% difference in splicing; this is not very predictive of pathogenicity. In summary, based on the above information the clinical significance of this variant cannot be determined with certainty at this time although we would lean towards a more benign role for this variant. This variant is classified as likely benign.

NM_004044.7(ATIC):c.682A>T (p.Ile228Phe)

Gene: ATIC (5-aminoimidazole-4-carboxamide ribonucleotide formyltransferase/IMP cyclohydrolase; plus strand). Cytogenetic location: 2q35.
Variant type: single nucleotide variant.
Coding change: c.682A>T on transcript NM_004044.7 (MANE Select); coding-DNA position 682, A replaced by T.
Protein change: p.Ile228Phe; replaces isoleucine 228 with phenylalanine.
Molecular consequence: missense variant.
Genome position (GRCh38, 1-based): chr2:215,326,972, A>T. VCF-style: chr2-215326972-A-T. GRCh37 (hg19) VCF-style: chr2-216191695-A-T.
Other names: short protein forms I228F.
Identifiers: ClinVar variation 1049798 (VCV001049798.1), dbSNP rs538280049, ClinGen allele CA2093039.
Genomic context (GRCh38, chr2:215,326,972, plus strand): 5'-TATGGAATGAACCCACATCAGACCCCTGCCCAGCTGTACACACTGCAGCCCAAGCTTCCC[A>T]TCACAGGTAAAGCCCGAGCGTTCTGTGGCATGGTTTGCTGTGCCTGGAGAGTGTGTGTTT-3'
Protein context (NP_004035.2, residues 218-238): QLYTLQPKLP[Ile228Phe]TVLNGAPGFI